The following is an entry in ClinVar:

ClinVar aggregate classification (germline): Likely benign (1 of 4 stars; one submission).

gnomAD v4.1: 9,459 of 1,532,714 alleles (0.62%); highest among the groups gnomAD compares: Non-Finnish European, 0.74%; 40 homozygotes.

Submission:

CeGaT Center for Human Genetics Tuebingen
Classification: Likely benign. Last evaluated: 2024-11-01. Review status: criteria provided, single submitter. Criteria: CeGaT Center For Human Genetics Tuebingen Variant Classification Criteria Version 2. Collection method: clinical testing. Allele origin: germline. Affected: yes. Observed: 1 variant allele.
Comment: FAM184B: BP4, BS2

NM_015688.2(FAM184B):c.2468C>T (p.Ala823Val)

Gene: FAM184B (family with sequence similarity 184 member B; minus strand). Cytogenetic location: 4p15.32.
Variant type: single nucleotide variant.
Coding change: c.2468C>T on transcript NM_015688.2 (MANE Select); coding-DNA position 2468, C replaced by T.
Protein change: p.Ala823Val; replaces alanine 823 with valine.
Molecular consequence: missense variant.
Genome position (GRCh38, 1-based): chr4:17,642,107, G>A on the plus strand (C>T on the coding strand, the complement: FAM184B is on the minus strand). VCF-style: chr4-17642107-G-A. GRCh37 (hg19) VCF-style: chr4-17643730-G-A.
Other names: short protein forms A823V.
Identifiers: ClinVar variation 3388054 (VCV003388054.14).